The following is an entry in ClinVar:

ClinVar aggregate classification (germline): Uncertain significance (1 of 4 stars; one submission).

Conditions:
Hereditary pheochromocytoma and paraganglioma. Also called: Hereditary pheochromocytoma-paraganglioma; Hereditary Paraganglioma-Pheochromocytoma Syndromes; Hereditary paragangliomas and pheochromocytomas. Identifiers: Orphanet 29072, MedGen C4274332, MONDO:0017366.

Allele frequency attached by ClinVar (database versions not stated): gnomAD exomes below 0.00001; TOPMed below 0.00001.
gnomAD v4.1: 3 of 1,606,024 alleles (0.00019%); highest among the groups gnomAD compares: Non-Finnish European, 0.00025%; no homozygotes.

Submission:

Labcorp Genetics (formerly Invitae), Labcorp
Classification: Uncertain significance for Hereditary pheochromocytoma and paraganglioma. Last evaluated: 2025-12-01. Review status: criteria provided, single submitter. Criteria: Invitae Variant Classification Sherloc (09022015). Collection method: clinical testing. Allele origin: germline.
Comment: This sequence change replaces histidine, which is basic and polar, with proline, which is neutral and non-polar, at codon 55 of the TMEM127 protein (p.His55Pro). This variant is not present in population databases (gnomAD no frequency). This variant has not been reported in the literature in individuals affected with TMEM127-related conditions. ClinVar contains an entry for this variant (Variation ID: 948030). An algorithm developed to predict the effect of missense changes on protein structure and function (PolyPhen-2) suggests that this variant is likely to be tolerated. In summary, the available evidence is currently insufficient to determine the role of this variant in disease. Therefore, it has been classified as a Variant of Uncertain Significance.

NM_017849.4(TMEM127):c.164A>C (p.His55Pro)

Gene: TMEM127 (transmembrane protein 127; minus strand). Cytogenetic location: 2q11.2.
Variant type: single nucleotide variant.
Coding change: c.164A>C on transcript NM_017849.4 (MANE Select); coding-DNA position 164, A replaced by C.
Protein change: p.His55Pro; replaces histidine 55 with proline.
Molecular consequence: missense variant.
Genome position (GRCh38, 1-based): chr2:96,265,218, T>G on the plus strand (A>C on the coding strand, the complement: TMEM127 is on the minus strand). VCF-style: chr2-96265218-T-G. GRCh37 (hg19) VCF-style: chr2-96930956-T-G.
Other names: c.164A>C, p.His55Pro (NM_001193304.3); short protein forms H55P.
Identifiers: ClinVar variation 948030 (VCV000948030.9), dbSNP rs894041563, ClinGen allele CA52419063.